The following is an entry in ClinVar:

ClinVar aggregate classification (germline): Benign. Review status: criteria provided, single submitter (1 of 4 stars). 2 submissions from 2 submitters: Benign (1). 1 of the submissions does not count toward it. Last evaluated 2025-02-07.

Conditions:
MERRF syndrome (MERRF). Also called: Myoclonus with epilepsy with ragged red fibers; MYOCLONIC EPILEPSY ASSOCIATED WITH RAGGED-RED FIBERS; Myoencephalopathy ragged-red fiber disease. Identifiers: Orphanet 551, MedGen C0162672, MONDO:0010790, OMIM 545000.
Mitochondrial inheritance. Identifiers: MedGen C0887941, HP:0001427.

Submissions (2):

Mendelics
Classification: Benign for MERRF syndrome. Last evaluated: 2025-02-07. Review status: criteria provided, single submitter. Criteria: ACMG Guidelines, 2015. Collection method: clinical testing. Allele origin: unknown.
Comment: This variant is considered likely benign or benign based on one or more of the following: it is predicted to be benign by multiple in silico algorithms, and/or has population frequency not consistent with disease, and/or has normal protein function, and/or has lack of segregation with disease, and/or has been detected in co-occurrence with known pathogenic variant, and/or has lack of disease association in case-control studies, and/or is located in a region inconsistent with a known cause of pathogenicity. GnomAD 4.1.0 frequency 0.01381 homoplsmic/19 heteroplasmic

Department of Pediatrics, Division of Medical Genetics, Faculty of Medicine Ramathibodi Hospital, Mahidol University
Classification: Uncertain significance for Mitochondrial inheritance. Review status: no assertion criteria provided. Collection method: research. Allele origin: maternal. Inheritance: Mitochondrial inheritance. Affected: yes. Not counted in ClinVar's aggregate classification.

NC_012920.1(MT-CYB):m.16274G>A

Gene: MT-CYB (mitochondrially encoded cytochrome b; plus strand).
Variant type: single nucleotide variant.
Genome position: chrM-16274-G-A.
Identifiers: ClinVar variation 1525974 (VCV001525974.3), dbSNP rs144095641, ClinGen allele CA337100856.
Genomic context (GRCh38, chrMT:16,274, plus strand): 5'-CAATCAACCCTCAACTATCACACATCAACTGCAACTCCAAAGCCACCCCTCACCCACTAG[G>A]ATACCAACAAACCTACCCACCCTTAACAGTACATAGTACATAAAGCCATTTACCGTACAT-3'